The following is an entry in ClinVar:

ClinVar aggregate classification (germline): Uncertain significance (1 of 4 stars; one submission).

Submission:

Labcorp Genetics (formerly Invitae), Labcorp
Classification: Uncertain significance. Last evaluated: 2023-05-08. Review status: criteria provided, single submitter. Criteria: Invitae Variant Classification Sherloc (09022015). Collection method: clinical testing. Allele origin: germline.
Comment: In summary, the available evidence is currently insufficient to determine the role of this variant in disease. Therefore, it has been classified as a Variant of Uncertain Significance. Variants that disrupt the consensus splice site are a relatively common cause of aberrant splicing (PMID: 17576681, 9536098). Algorithms developed to predict the effect of sequence changes on RNA splicing suggest that this variant may disrupt the consensus splice site. ClinVar contains an entry for this variant (Variation ID: 1026882). This variant has not been reported in the literature in individuals affected with SNRNP200-related conditions. This variant is not present in population databases (gnomAD no frequency). This sequence change falls in intron 8 of the SNRNP200 gene. It does not directly change the encoded amino acid sequence of the SNRNP200 protein. It affects a nucleotide within the consensus splice site.

Literature cited by the submitters: PubMed 17576681; PubMed 9536098.

NM_014014.5(SNRNP200):c.982+6T>C

Gene: SNRNP200 (small nuclear ribonucleoprotein U5 subunit 200; minus strand). Cytogenetic location: 2q11.2.
Variant type: single nucleotide variant.
Coding change: c.982+6T>C on transcript NM_014014.5 (MANE Select); 6 bases into the intron after coding-DNA position 982, T replaced by C.
Molecular consequence: intron variant.
Genome position (GRCh38, 1-based): chr2:96,298,597, A>G on the plus strand (T>C on the coding strand, the complement: SNRNP200 is on the minus strand). VCF-style: chr2-96298597-A-G. GRCh37 (hg19) VCF-style: chr2-96964335-A-G.
Identifiers: ClinVar variation 1026882 (VCV001026882.7), dbSNP rs2063933993, ClinGen allele CA1272545821.